The following is an entry in ClinVar:

ClinVar aggregate classification (germline): Conflicting classifications of pathogenicity. Review status: criteria provided, conflicting classifications (1 of 4 stars). 6 submissions from 6 submitters: Uncertain significance (5); Likely benign (1). Last evaluated 2025-09-14.

Conditions:
Hereditary cancer-predisposing syndrome. Also called: Neoplastic Syndromes, Hereditary; Tumor predisposition; Hereditary Cancer Syndrome; Hereditary neoplastic syndrome. Identifiers: Orphanet 140162, MedGen C0027672, MeSH D009386, MONDO:0015356.
Hereditary breast ovarian cancer syndrome. Also called: Hereditary breast and ovarian cancer; Hereditary breast and/or ovarian cancer syndrome; BRCA1- and BRCA2-Associated Hereditary Breast and Ovarian Cancer; Hereditary breast and ovarian cancer syndrome (HBOC); Hereditary breast and ovarian cancer syndrome; Breast and ovarian cancer. Identifiers: Orphanet 145, MedGen C0677776, MeSH D061325, MONDO:0003582. Disease mechanism: loss of function.

Submissions (6):

Ambry Genetics
Classification: Uncertain significance for Hereditary cancer-predisposing syndrome. Last evaluated: 2025-09-14. Review status: criteria provided, single submitter. Criteria: Ambry Variant Classification Scheme 2023. Collection method: clinical testing. Allele origin: germline.
Comment: The p.H2038R variant (also known as c.6113A>G), located in coding exon 10 of the BRCA2 gene, results from an A to G substitution at nucleotide position 6113. The histidine at codon 2038 is replaced by arginine, an amino acid with highly similar properties. This amino acid position is poorly conserved in available vertebrate species. In addition, this alteration is predicted to be tolerated by in silico analysis. Since supporting evidence is limited at this time, the clinical significance of this alteration remains unclear.

Women's Health and Genetics/Laboratory Corporation of America, LabCorp
Classification: Uncertain significance. Last evaluated: 2024-05-01. Review status: criteria provided, single submitter. Criteria: LabCorp Variant Classification Summary - May 2015. Collection method: clinical testing. Allele origin: germline.

Labcorp Genetics (formerly Invitae), Labcorp
Classification: Uncertain significance for Hereditary breast ovarian cancer syndrome. Last evaluated: 2024-04-22. Review status: criteria provided, single submitter. Criteria: Invitae Variant Classification Sherloc (09022015). Collection method: clinical testing. Allele origin: germline.
Comment: This sequence change replaces histidine, which is basic and polar, with arginine, which is basic and polar, at codon 2038 of the BRCA2 protein (p.His2038Arg). This variant is not present in population databases (gnomAD no frequency). This variant has not been reported in the literature in individuals affected with BRCA2-related conditions. ClinVar contains an entry for this variant (Variation ID: 186557). Advanced modeling of protein sequence and biophysical properties (such as structural, functional, and spatial information, amino acid conservation, physicochemical variation, residue mobility, and thermodynamic stability) performed at Invitae indicates that this missense variant is not expected to disrupt BRCA2 protein function with a negative predictive value of 95%. In summary, the available evidence is currently insufficient to determine the role of this variant in disease. Therefore, it has been classified as a Variant of Uncertain Significance.

GeneDx
Classification: Uncertain significance. Last evaluated: 2023-10-27. Review status: criteria provided, single submitter. Criteria: GeneDx Variant Classification Process June 2021. Collection method: clinical testing. Allele origin: germline. Affected: yes.
Comment: Not observed at significant frequency in large population cohorts (gnomAD); In silico analysis supports that this missense variant does not alter protein structure/function; Observed in individuals undergoing multi-gene panel testing based on personal and family history of cancer (PMID: 31853058); Also known as 6341A>G; This variant is associated with the following publications: (PMID: 32377563, 29884841, 31853058)

Quest Diagnostics Nichols Institute San Juan Capistrano
Classification: Uncertain significance. Last evaluated: 2023-06-29. Review status: criteria provided, single submitter. Criteria: Quest Diagnostics criteria. Collection method: clinical testing. Allele origin: unknown.
Comment: This variant has not been reported in the published literature. It also has not been reported in large, multi-ethnic general populations (Genome Aggregation Database). Analysis of this variant using bioinformatics tools for the prediction of the effect of amino acid changes on protein structure and function yielded predictions that this variant is benign. Based on the available information, we are unable to determine the clinical significance of this variant.

University of Washington Department of Laboratory Medicine, University of Washington
Classification: Likely benign for Hereditary cancer-predisposing syndrome. Last evaluated: 2023-03-23. Review status: criteria provided, single submitter. Criteria: Dines et al. (Genet Med. 2020). Collection method: curation. Allele origin: germline.
Comment: Missense variant in a coldspot region where missense variants are very unlikely to be pathogenic (PMID:31911673).

BRCA2 exon 11 coldspot. Reclassification based on statistical prior probability.

Literature cited by the submitters: PubMed 29884841 (cited by Ambry Genetics); PubMed 31911673 (cited by Quest Diagnostics Nichols Institute San Juan Capistrano).

NM_000059.4(BRCA2):c.6113A>G (p.His2038Arg)

Gene: BRCA2 (BRCA2 DNA repair associated; plus strand). Cytogenetic location: 13q13.1.
Variant type: single nucleotide variant.
Coding change: c.6113A>G on transcript NM_000059.4 (MANE Select); coding-DNA position 6113, A replaced by G.
Protein change: p.His2038Arg; replaces histidine 2038 with arginine.
Molecular consequence: missense variant.
Genome position (GRCh38, 1-based): chr13:32,340,468, A>G. VCF-style: chr13-32340468-A-G. GRCh37 (hg19) VCF-style: chr13-32914605-A-G.
Other names: short protein forms H2038R.
Identifiers: ClinVar variation 186557 (VCV000186557.21), dbSNP rs786203039, ClinGen allele CA023665.
Genomic context (GRCh38, chr13:32,340,468, plus strand): 5'-GTAACGAACATTCAGACCAGCTCACAAGAGAAGAAAATACTGCTATACGTACTCCAGAAC[A>G]TTTAATATCCCAAAAAGGCTTTTCATATAATGTGGTAAATTCATCTGCTTTCTCTGGATT-3'
Protein context (NP_000050.3, residues 2028-2048): EENTAIRTPE[His2038Arg]LISQKGFSYN